The following is an entry in ClinVar:

ClinVar aggregate classification (germline): Uncertain significance (1 of 4 stars; one submission).

Submission:

GeneDx
Classification: Uncertain significance. Last evaluated: 2022-07-19. Review status: criteria provided, single submitter. Criteria: GeneDx Variant Classification Process June 2021. Collection method: clinical testing. Allele origin: germline. Affected: yes.
Comment: Not observed at significant frequency in large population cohorts (gnomAD); In silico analysis supports that this missense variant does not alter protein structure/function; Has not been previously published as pathogenic or benign to our knowledge; Occurs in the triple helical domain at the X position in the canonical Gly-X-Y repeat; although this variant may have an effect on normal protein folding and function, missense substitution at the X position is not a common mechanism of disease (Symoens et al., 2012; HGMD)

NM_000093.5(COL5A1):c.2182G>C (p.Ala728Pro)

Gene: COL5A1 (collagen type V alpha 1 chain; plus strand). Cytogenetic location: 9q34.3.
Variant type: single nucleotide variant.
Coding change: c.2182G>C on transcript NM_000093.5 (MANE Select); coding-DNA position 2182, G replaced by C.
Protein change: p.Ala728Pro; replaces alanine 728 with proline.
Molecular consequence: missense variant.
Genome position (GRCh38, 1-based): chr9:134,767,048, G>C. VCF-style: chr9-134767048-G-C. GRCh37 (hg19) VCF-style: chr9-137658894-G-C.
Other names: c.2182G>C, p.Ala728Pro (NM_001278074.1); short protein forms A728P.
Identifiers: ClinVar variation 2136175 (VCV002136175.1), dbSNP rs575535171, ClinGen allele CA375448323.